The following is an entry in ClinVar:

ClinVar aggregate classification (germline): Uncertain significance (1 of 4 stars; one submission).

gnomAD v4.1: 1 of 1,603,210 alleles (0.000062%); highest among the groups gnomAD compares: Non-Finnish European, 0.000085%; no homozygotes.

Submission:

Ambry Genetics
Classification: Uncertain significance. Last evaluated: 2024-10-25. Review status: criteria provided, single submitter. Criteria: Ambry Variant Classification Scheme 2023. Collection method: clinical testing. Allele origin: germline.
Comment: The p.V1437I variant (also known as c.4309G>A), located in coding exon 16 of the POLQ gene, results from a G to A substitution at nucleotide position 4309. The valine at codon 1437 is replaced by isoleucine, an amino acid with highly similar properties. This amino acid position is conserved. In addition, this alteration is predicted to be tolerated by in silico analysis. Based on the available evidence, the clinical significance of this variant remains unclear.

NM_199420.4(POLQ):c.4309G>A (p.Val1437Ile)

Gene: POLQ (DNA polymerase theta; minus strand). Cytogenetic location: 3q13.33.
Variant type: single nucleotide variant.
Coding change: c.4309G>A on transcript NM_199420.4 (MANE Select); coding-DNA position 4309, G replaced by A.
Protein change: p.Val1437Ile; replaces valine 1437 with isoleucine.
Molecular consequence: missense variant.
Genome position (GRCh38, 1-based): chr3:121,488,622, C>T on the plus strand (G>A on the coding strand, the complement: POLQ is on the minus strand). VCF-style: chr3-121488622-C-T. GRCh37 (hg19) VCF-style: chr3-121207469-C-T.
Other names: short protein forms V1437I.
Identifiers: ClinVar variation 3422619 (VCV003422619.1).